The following is an entry in ClinVar:

ClinVar aggregate classification (germline): Likely benign. Review status: criteria provided, single submitter (1 of 4 stars). 2 submissions from 1 submitter: Likely benign (2). Last evaluated 2018-01-13.

Conditions:
Microphthalmia, isolated, with coloboma 3 (MCOPCB3). Also called: MICROPHTHALMIA/COLOBOMA 3; MICROPHTHALMIA, COLOBOMATOUS, 3. Identifiers: Orphanet 98938, MedGen C1864721, MONDO:0012408, OMIM 610092.
Isolated microphthalmia 2. Identifiers: Orphanet 2542, MedGen C1864720, MONDO:0012409, OMIM 610093.

Allele frequency attached by ClinVar (database versions not stated): ExAC 0.00425; TOPMed 0.01371; 1000 Genomes Project 0.01498; 1000 Genomes Project 30x 0.01796.

Submissions (2):

Illumina Laboratory Services, Illumina
Classification: Likely benign for Microphthalmia, isolated, with coloboma 3. Last evaluated: 2018-01-13. Review status: criteria provided, single submitter. Criteria: ICSL Variant Classification Criteria 13 December 2019. Collection method: clinical testing. Allele origin: germline.
Comment: This variant was observed in the ICSL laboratory as part of a predisposition screen in an ostensibly healthy population. It had not been previously curated by ICSL or reported in the Human Gene Mutation Database (HGMD: prior to June 1st, 2018), and was therefore a candidate for classification through an automated scoring system. Utilizing variant allele frequency, disease prevalence and penetrance estimates, and inheritance mode, an automated score was calculated to assess if this variant is too frequent to cause the disease. Based on the score and internal cut-off values, a variant classified as likely benign is not then subjected to further curation. The score for this variant resulted in a classification of likely benign for this disease.

Illumina Laboratory Services, Illumina
Classification: Likely benign for Isolated microphthalmia 2. Last evaluated: 2018-01-13. Review status: criteria provided, single submitter. Criteria: ICSL Variant Classification Criteria 13 December 2019. Collection method: clinical testing. Allele origin: germline.
Comment: the same text as in the submission from Illumina Laboratory Services, Illumina above.

NM_182894.3(VSX2):c.-46G>C

Gene: VSX2 (visual system homeobox 2; plus strand). Cytogenetic location: 14q24.3.
Variant type: single nucleotide variant.
Coding change: c.-46G>C on transcript NM_182894.3 (MANE Select); 46 bases upstream of the start codon, G replaced by C.
Molecular consequence: 5 prime UTR variant.
Genome position (GRCh38, 1-based): chr14:74,239,516, G>C. VCF-style: chr14-74239516-G-C. GRCh37 (hg19) VCF-style: chr14-74706219-G-C.
Identifiers: ClinVar variation 885073 (VCV000885073.4), dbSNP rs115662253, ClinGen allele CA7266235.